The following is an entry in ClinVar:

NM_030665.4(RAI1):c.262C>T (p.Gln88Ter)

Gene: RAI1 (retinoic acid induced 1; plus strand). Cytogenetic location: 17p11.2.
Variant type: single nucleotide variant.
Coding change: c.262C>T on transcript NM_030665.4 (MANE Select); coding-DNA position 262, C replaced by T.
Protein change: p.Gln88Ter; replaces glutamine 88 with a stop codon.
Molecular consequence: nonsense.
Genome position (GRCh38, 1-based): chr17:17,793,210, C>T. VCF-style: chr17-17793210-C-T. GRCh37 (hg19) VCF-style: chr17-17696524-C-T.
Other names: short protein forms Q88*.
Identifiers: ClinVar variation 4879234 (VCV004879234.1).

ClinVar aggregate classification (germline): Pathogenic (1 of 4 stars; one submission).

Conditions:
Smith-Magenis syndrome (SMS). Also called: CHROMOSOME 17p11.2 DELETION SYNDROME. Identifiers: Orphanet 819, MedGen C0795864, MONDO:0008434, OMIM 182290.

Submission:

Clinical Genomics Laboratory, Washington University in St. Louis
Classification: Pathogenic for Smith-Magenis syndrome. Last evaluated: 2026-03-04. Review status: criteria provided, single submitter. Criteria: ACMG Guidelines, 2015. Collection method: clinical testing. Allele origin: germline. Affected: yes.
Comment: The RAI1 c.262C>T (p.Gln88*) variant has been reported as occurring de novo in an individual affected with Smith-Magenis syndrome (Gilissen C et al., PMID: 24896178). This variant causes a premature termination codon, which is predicted to lead to nonsense mediated decay. This variant is absent from the general population (gnomAD v2.1.1), indicating it is not a common variant. Based on available information and the ACMG/AMP guidelines for variant interpretation (Richards S et al., PMID: 25741868), this variant is classified as pathogenic.